The following is an entry in ClinVar:

NM_001379200.1(TBX1):c.526G>A (p.Asp176Asn)

Gene: TBX1 (T-box transcription factor 1; plus strand). Cytogenetic location: 22q11.21.
Variant type: single nucleotide variant.
Coding change: c.526G>A on transcript NM_001379200.1 (MANE Select); coding-DNA position 526, G replaced by A.
Protein change: p.Asp176Asn; replaces aspartic acid 176 with asparagine.
Molecular consequence: missense variant.
Genome position (GRCh38, 1-based): chr22:19,763,329, G>A. VCF-style: chr22-19763329-G-A. GRCh37 (hg19) VCF-style: chr22-19750852-G-A.
Other names: c.499G>A, p.Asp167Asn (NM_005992.1, NM_080646.2, NM_080647.1); short protein forms D167N, D176N.
Identifiers: ClinVar variation 2727903 (VCV002727903.3), dbSNP rs777394492, ClinGen allele CA10102464.

ClinVar aggregate classification (germline): Uncertain significance (1 of 4 stars; one submission).

Conditions:
DiGeorge syndrome. Also called: Catch22; THIRD AND FOURTH PHARYNGEAL POUCH SYNDROME. Identifiers: Orphanet 567, MedGen C0012236, MONDO:0008564, OMIM 188400.

Allele frequency attached by ClinVar (database versions not stated): TOPMed below 0.00001; gnomAD 0.00001; gnomAD exomes 0.00001.

Submission:

Labcorp Genetics (formerly Invitae), Labcorp
Classification: Uncertain significance for DiGeorge syndrome. Last evaluated: 2024-08-28. Review status: criteria provided, single submitter. Criteria: Invitae Variant Classification Sherloc (09022015). Collection method: clinical testing. Allele origin: germline.
Comment: This sequence change replaces aspartic acid, which is acidic and polar, with asparagine, which is neutral and polar, at codon 167 of the TBX1 protein (p.Asp167Asn). This variant is present in population databases (rs777394492, gnomAD 0.01%). This variant has not been reported in the literature in individuals affected with TBX1-related conditions. Invitae Evidence Modeling of protein sequence and biophysical properties (such as structural, functional, and spatial information, amino acid conservation, physicochemical variation, residue mobility, and thermodynamic stability) indicates that this missense variant is not expected to disrupt TBX1 protein function with a negative predictive value of 80%. In summary, the available evidence is currently insufficient to determine the role of this variant in disease. Therefore, it has been classified as a Variant of Uncertain Significance.